The following is an entry in ClinVar:

NM_032588.4(TRIM63):c.143C>T (p.Ala48Val)

Gene: TRIM63 (tripartite motif containing 63; minus strand). Cytogenetic location: 1p36.11.
Variant type: single nucleotide variant.
Coding change: c.143C>T on transcript NM_032588.4 (MANE Select); coding-DNA position 143, C replaced by T.
Protein change: p.Ala48Val; replaces alanine 48 with valine.
Molecular consequence: missense variant.
Genome position (GRCh38, 1-based): chr1:26,067,352, G>A on the plus strand (C>T on the coding strand, the complement: TRIM63 is on the minus strand). VCF-style: chr1-26067352-G-A. GRCh37 (hg19) VCF-style: chr1-26393843-G-A.
Other names: short protein forms A48V.
Identifiers: ClinVar variation 180559 (VCV000180559.30), dbSNP rs140523053, ClinGen allele CA346729.

ClinVar aggregate classification (germline): Conflicting classifications of pathogenicity. Review status: criteria provided, conflicting classifications (1 of 4 stars). 8 submissions from 8 submitters: Uncertain significance (2); Likely benign (3). 3 of the submissions do not count toward it. Last evaluated 2026-05-26.

Conditions:
Cardiovascular phenotype. Identifiers: MedGen CN230736.
TRIM63-related disorder. Also called: TRIM63-related condition.

Allele frequency attached by ClinVar (database versions not stated): 1000 Genomes Project 30x 0.00031; 1000 Genomes Project 0.00040; ExAC 0.00126; gnomAD 0.00127 and 0.00128; ESP Exome Variant Server 0.00138; gnomAD exomes 0.00138 and 0.00233; TOPMed 0.00142.
gnomAD v4.1: 3,548 of 1,614,000 alleles (0.22%); highest among the groups gnomAD compares: Non-Finnish European, 0.28%; 8 homozygotes.

Submissions (8):

Women's Health and Genetics/Laboratory Corporation of America, LabCorp
Classification: Likely benign. Last evaluated: 2026-05-26. Review status: criteria provided, single submitter. Criteria: LabCorp Variant Classification Summary - May 2015. Collection method: clinical testing. Allele origin: germline.
Comment: Variant summary: TRIM63 c.143C>T (p.Ala48Val) results in a non-conservative amino acid change in the encoded protein sequence. Algorithms developed to predict the effect of missense changes on protein structure and function are either unavailable or do not agree on the potential impact of this missense change. The variant allele was found at a frequency of 0.0014 in 250842 control chromosomes in the gnomAD database v2, including 2 homozygotes. This frequency is not significantly higher than estimated for disease-causing variants in TRIM63, allowing no conclusion about variant significance. A total of 8 homozygotes of this variant was observed in the gnomAD v4 database. c.143C>T has been observed in individuals affected with hypertrophic cardiomyopathy (Chen_2012). The report does not provide unequivocal conclusions about association of the variant with Hypertrophic Cardiomyopathy, Autosomal Recessive. At least one publication reports experimental evidence evaluating an impact on protein function and this variant affected the TRIM63 protein function (Chen_2012). The following publication have been ascertained in the context of this evaluation (PMID: 22821932). ClinVar contains an entry for this variant (Variation ID: 180559). Based on the evidence outlined above, the variant was classified as likely benign.

Molecular Diagnostic Laboratory for Inherited Cardiovascular Disease, Montreal Heart Institute
Classification: Uncertain significance for Cardiovascular phenotype. Last evaluated: 2025-04-09. Review status: criteria provided, single submitter. Criteria: ACMG Guidelines, 2015. Collection method: clinical testing. Allele origin: germline. Affected: yes.
Comment: PS3_mod, PP3, BS1, BP6

Blueprint Genetics
Classification: Likely benign. Last evaluated: 2024-10-22. Review status: criteria provided, single submitter. Criteria: ACMG Guidelines, 2015. Collection method: clinical testing. Allele origin: germline.

CeGaT Center for Human Genetics Tuebingen
Classification: Likely benign. Last evaluated: 2024-05-01. Review status: criteria provided, single submitter. Criteria: CeGaT Center For Human Genetics Tuebingen Variant Classification Criteria Version 2. Collection method: clinical testing. Allele origin: germline. Affected: yes. Observed: 2 variant alleles.
Comment: TRIM63: BS2

Clinical Genomics Laboratory, Stanford Medicine
Classification: Uncertain significance. Last evaluated: 2023-07-18. Review status: criteria provided, single submitter. Criteria: ACMG Guidelines, 2015. Collection method: clinical testing. Allele origin: germline. Observed: 1 variant allele, 1 heterozygote.
Comment: The p.Ala48Val variant in the TRIM63 gene has been previously reported in two unrelated individuals with hypertrophic cardiomyopathy (Chen et al., 2012). This variant has been identified in 282/128,712 European non-Finnish chromosomes (372/282,236 chromosomes overall) by the Genome Aggregation Database. This allele frequency is higher than expected for a pathogenic variant. This variant is present in ClinVar (Variation ID: 180559). The alanine at position 48 is strongly evolutionarily conserved. Computational tools predict that the p.Ala48Val variant is deleterious; however, the accuracy of in silico algorithms is limited. These data were assessed using the ACMG/AMP variant interpretation guidelines. In summary, the significance of the p.Ala48Val variant is uncertain. Additional information is needed to resolve the significance of this variant. [ACMG evidence codes used: BS1_Supporting; PP3. Has been recently associated with autosomal recessive hypertrophic cardiomyopathy, but this is not listed in databases.

PreventionGenetics, part of Exact Sciences
Classification: Likely benign for TRIM63-related condition. Last evaluated: 2024-03-13. Review status: no assertion criteria provided. Collection method: clinical testing. Allele origin: germline. Not counted in ClinVar's aggregate classification.
Comment: This variant is classified as likely benign based on ACMG/AMP sequence variant interpretation guidelines (Richards et al. 2015 PMID: 25741868, with internal and published modifications).

Clinical Genetics DNA and cytogenetics Diagnostics Lab, Erasmus MC, Erasmus Medical Center
Classification: Likely benign. Review status: no assertion criteria provided. Collection method: clinical testing. Allele origin: germline. Affected: yes. Study: VKGL Data-share Consensus. Not counted in ClinVar's aggregate classification.

Genome Diagnostics Laboratory, University Medical Center Utrecht
Classification: Likely benign. Review status: no assertion criteria provided. Collection method: clinical testing. Allele origin: germline. Affected: yes. Study: VKGL Data-share Consensus. Not counted in ClinVar's aggregate classification.

Literature cited by the submitters: PubMed 22821932 (cited by Women's Health and Genetics/Laboratory Corporation of America, LabCorp and Clinical Genomics Laboratory, Stanford Medicine).